The following is an entry in ClinVar:

ClinVar aggregate classification (germline): Uncertain significance (1 of 4 stars; one submission).

Conditions:
Kleefstra syndrome 2 (KLEFS2). Identifiers: MedGen C4540395, MONDO:0054701, OMIM 617768.

Submission:

Baylor Genetics
Classification: Uncertain significance for Kleefstra syndrome 2. Last evaluated: 2020-01-14. Review status: criteria provided, single submitter. Criteria: ACMG Guidelines, 2015. Collection method: clinical testing. Allele origin: unknown. Affected: yes.
Comment: This variant was determined to be of uncertain significance according to ACMG Guidelines, 2015 [PMID:25741868].

NM_170606.3(KMT2C):c.1522C>G (p.Leu508Val)

Gene: KMT2C (lysine methyltransferase 2C; minus strand). Cytogenetic location: 7q36.1.
Variant type: single nucleotide variant.
Coding change: c.1522C>G on transcript NM_170606.3 (MANE Select); coding-DNA position 1522, C replaced by G.
Protein change: p.Leu508Val; replaces leucine 508 with valine.
Molecular consequence: missense variant.
Genome position (GRCh38, 1-based): chr7:152,252,038, G>C on the plus strand (C>G on the coding strand, the complement: KMT2C is on the minus strand). VCF-style: chr7-152252038-G-C. GRCh37 (hg19) VCF-style: chr7-151949123-G-C.
Other names: short protein forms L508V.
Identifiers: ClinVar variation 1027841 (VCV001027841.1), dbSNP rs2095570221, ClinGen allele CA370086817.